The following is an entry in ClinVar:

NM_001174096.2(ZEB1):c.3310dup (p.Ser1104fs)

Gene: ZEB1 (zinc finger E-box binding homeobox 1; plus strand). Cytogenetic location: 10p11.22.
Variant type: Duplication.
Coding change: c.3310dup on transcript NM_001174096.2 (MANE Select); coding-DNA position 3310, one base duplicated (A; older notation c.3310dupA).
Protein change: p.Ser1104fs; shifts the reading frame from serine 1104.
Molecular consequence: frameshift variant.
Genome position (GRCh38, 1-based): chr10:31,527,196, A duplicated; the last of 2 consecutive A bases (chr10:31,527,195-31,527,196); duplicating either gives the same sequence. VCF-style (leftmost placement, unchanged base first): chr10-31527194-C-CA. GRCh37 (hg19) VCF-style: chr10-31816122-C-CA.
Other names: c.3259dup, p.Ser1087fs (NM_001128128.3); c.3247dup, p.Ser1083fs (NM_001174093.2); c.3256dup, p.Ser1086fs (NM_001174094.2); c.3106dup, p.Ser1036fs (NM_001174095.2); c.2653dup, p.Ser885fs (NM_001323638.2, NM_001323641.2, NM_001323642.2 and 27 more transcripts); c.3085dup, p.Ser1029fs (NM_001323674.2); c.3043dup, p.Ser1015fs (NM_001323675.2); c.3268dup, p.Ser1090fs (NM_001323676.2); and 3 more; short protein forms S1012fs, S1015fs, S1087fs, S1090fs, S1104fs, S1036fs, S1103fs, S1029fs.
Identifiers: ClinVar variation 2996684 (VCV002996684.3), dbSNP rs765194113, ClinGen allele CA5461946.

ClinVar aggregate classification (germline): Uncertain significance (1 of 4 stars; one submission).

Submission:

Labcorp Genetics (formerly Invitae), Labcorp
Classification: Uncertain significance. Last evaluated: 2023-11-27. Review status: criteria provided, single submitter. Criteria: Invitae Variant Classification Sherloc (09022015). Collection method: clinical testing. Allele origin: germline.
Comment: This sequence change creates a premature translational stop signal (p.Ser1103Lysfs*11) in the ZEB1 gene. While this is not anticipated to result in nonsense mediated decay, it is expected to disrupt the last 22 amino acid(s) of the ZEB1 protein. This variant is present in population databases (rs765194113, gnomAD 0.005%). This variant has not been reported in the literature in individuals affected with ZEB1-related conditions. In summary, the available evidence is currently insufficient to determine the role of this variant in disease. Therefore, it has been classified as a Variant of Uncertain Significance.